The following is an entry in ClinVar:

ClinVar aggregate classification (germline): Pathogenic/Likely pathogenic. Review status: criteria provided, multiple submitters, no conflicts (2 of 4 stars). 4 submissions from 4 submitters: Pathogenic (1); Likely pathogenic (3). Last evaluated 2025-01-20.

Conditions:
FOXC1-related disorders.
Axenfeld-Rieger syndrome type 3 (RIEG3). Also called: AXENFELD-RIEGER ANOMALY WITH CARDIAC DEFECTS AND/OR SENSORINEURAL HEARING LOSS. Identifiers: Orphanet 782, MedGen C2678503, MONDO:0011233, OMIM 602482.

Submissions (4):

3billion
Classification: Likely pathogenic for Axenfeld-Rieger syndrome type 3. Last evaluated: 2025-01-20. Review status: criteria provided, single submitter. Criteria: ACMG Guidelines, 2015. Collection method: clinical testing. Allele origin: germline. Affected: yes.
Comment: The variant is observed at an extremely low frequency in the gnomAD v4.1.0 dataset (total allele frequency: <0.001%). Predicted Consequence/Location: Frameshift: predicted to result in a loss or disruption of normal protein function through protein truncation. The predicted truncated protein may be shortened by more than 10%. The variant has been reported at least twice as pathogenic without evidence for the classification (ClinVar ID: VCV001453723 /3billion dataset). Therefore, this variant is classified as Likely pathogenic according to the recommendation of ACMG/AMP guideline.

Labcorp Genetics (formerly Invitae), Labcorp
Classification: Pathogenic for Axenfeld-Rieger syndrome type 3. Last evaluated: 2024-10-29. Review status: criteria provided, single submitter. Criteria: Invitae Variant Classification Sherloc (09022015). Collection method: clinical testing. Allele origin: germline.
Comment: This sequence change creates a premature translational stop signal (p.Ser276Glnfs*30) in the FOXC1 gene. While this is not anticipated to result in nonsense mediated decay, it is expected to disrupt the last 278 amino acid(s) of the FOXC1 protein. The frequency data for this variant in the population databases is considered unreliable, as metrics indicate poor data quality at this position in the gnomAD database. This variant has not been reported in the literature in individuals affected with FOXC1-related conditions. ClinVar contains an entry for this variant (Variation ID: 1453723). This variant disrupts a region of the FOXC1 protein in which other variant(s) (p.Ala296Ilefs*26) have been determined to be pathogenic (internal data). This suggests that this is a clinically significant region of the protein, and that variants that disrupt it are likely to be disease-causing. For these reasons, this variant has been classified as Pathogenic.

CeGaT Center for Human Genetics Tuebingen
Classification: Likely pathogenic. Last evaluated: 2023-08-01. Review status: criteria provided, single submitter. Criteria: CeGaT Center For Human Genetics Tuebingen Variant Classification Criteria Version 2. Collection method: clinical testing. Allele origin: germline. Affected: yes. Observed: 1 variant allele.
Comment: FOXC1: PVS1:Strong, PM2, PP4

Blueprint Genetics
Classification: Likely pathogenic for FOXC1-related disorders. Last evaluated: 2018-01-19. Review status: criteria provided, single submitter. Criteria: ACMG Guidelines, 2015. Collection method: clinical testing. Allele origin: germline. Affected: yes. Observed: 1 variant allele.

NM_001453.3(FOXC1):c.821dup (p.Ser276fs)

Gene: FOXC1 (forkhead box C1; plus strand). Cytogenetic location: 6p25.3.
Variant type: Duplication.
Coding change: c.821dup on transcript NM_001453.3 (MANE Select); coding-DNA position 821, one base duplicated (C; older notation c.821dupC).
Protein change: p.Ser276fs; shifts the reading frame from serine 276.
Molecular consequence: frameshift variant.
Genome position (GRCh38, 1-based): chr6:1,611,266, C duplicated; the last of 6 consecutive C bases (chr6:1,611,261-1,611,266); duplicating any one gives the same sequence. VCF-style (leftmost placement, unchanged base first): chr6-1611260-G-GC. GRCh37 (hg19) VCF-style: chr6-1611495-G-GC.
Other names: short protein forms S276fs.
Identifiers: ClinVar variation 1453723 (VCV001453723.31), dbSNP rs2113112720, ClinGen allele CA565356199.